The following is an entry in ClinVar:

NM_000260.4(MYO7A):c.400A>G (p.Ile134Val)

Gene: MYO7A (myosin VIIA; plus strand). Cytogenetic location: 11q13.5.
Variant type: single nucleotide variant.
Coding change: c.400A>G on transcript NM_000260.4 (MANE Select); coding-DNA position 400, A replaced by G.
Protein change: p.Ile134Val; replaces isoleucine 134 with valine.
Molecular consequence: missense variant.
Genome position (GRCh38, 1-based): chr11:77,156,021, A>G. VCF-style: chr11-77156021-A-G. GRCh37 (hg19) VCF-style: chr11-76867067-A-G.
Other names: c.400A>G, p.Ile134Val (NM_001127180.2); c.367A>G, p.Ile123Val (NM_001369365.1); short protein forms I123V, I134V.
Identifiers: ClinVar variation 3902338 (VCV003902338.1).

ClinVar aggregate classification (germline): Uncertain significance (1 of 4 stars; one submission).

gnomAD v4.1: 1 of 1,613,928 alleles (0.000062%); no homozygotes.

Submission:

Women's Health and Genetics/Laboratory Corporation of America, LabCorp
Classification: Uncertain significance. Last evaluated: 2025-05-09. Review status: criteria provided, single submitter. Criteria: LabCorp Variant Classification Summary - May 2015. Collection method: clinical testing. Allele origin: germline.
Comment: Variant summary: MYO7A c.400A>G (p.Ile134Val) results in a conservative amino acid change in the encoded protein sequence. Algorithms developed to predict the effect of missense changes on protein structure and function are either unavailable or do not agree on the potential impact of this missense change. The variant was absent in 249012 control chromosomes. The available data on variant occurrences in the general population are insufficient to allow any conclusion about variant significance. To our knowledge, no occurrence of c.400A>G in individuals affected with Usher Syndrome and no experimental evidence demonstrating its impact on protein function have been reported. A different variant affecting the same codon has been classified as pathogenic (c.401T>A (p.Ile134Asn)), supporting the critical relevance of codon 134 to MYO7A protein function.No submitters have cited clinical-significance assessments for this variant to ClinVar. Based on the evidence outlined above, the variant was classified as uncertain significance.